The following is an entry in ClinVar:

NM_020458.4(TTC7A):c.402G>C (p.Glu134Asp)

Gene: TTC7A (tetratricopeptide repeat domain 7A; plus strand). Cytogenetic location: 2p21.
Variant type: single nucleotide variant.
Coding change: c.402G>C on transcript NM_020458.4 (MANE Select); coding-DNA position 402, G replaced by C.
Protein change: p.Glu134Asp; replaces glutamic acid 134 with aspartic acid.
Molecular consequence: missense variant. On other transcripts: 5 prime UTR variant (1).
Genome position (GRCh38, 1-based): chr2:46,956,892, G>C. VCF-style: chr2-46956892-G-C. GRCh37 (hg19) VCF-style: chr2-47184031-G-C.
Other names: c.402G>C, p.Glu134Asp (NM_001288951.2); c.300G>C, p.Glu100Asp (NM_001288953.2); c.-503G>C (NM_001288955.2); short protein forms E134D, E100D.
Identifiers: ClinVar variation 3662138 (VCV003662138.2).

ClinVar aggregate classification (germline): Uncertain significance (1 of 4 stars; one submission).

Conditions:
Multiple gastrointestinal atresias. Also called: FAMILIAL INTESTINAL POLYATRESIA SYNDROME; Multiple intestinal atresia. Identifiers: Orphanet 2300, MedGen C0220744, MONDO:0009465.

Submission:

Labcorp Genetics (formerly Invitae), Labcorp
Classification: Uncertain significance for Multiple gastrointestinal atresias. Last evaluated: 2024-08-12. Review status: criteria provided, single submitter. Criteria: Invitae Variant Classification Sherloc (09022015). Collection method: clinical testing. Allele origin: germline.
Comment: This sequence change replaces glutamic acid, which is acidic and polar, with aspartic acid, which is acidic and polar, at codon 134 of the TTC7A protein (p.Glu134Asp). This variant is not present in population databases (gnomAD no frequency). This variant has not been reported in the literature in individuals affected with TTC7A-related conditions. Advanced modeling of protein sequence and biophysical properties (such as structural, functional, and spatial information, amino acid conservation, physicochemical variation, residue mobility, and thermodynamic stability) performed at Invitae indicates that this missense variant is expected to disrupt TTC7A protein function with a positive predictive value of 80%. In summary, the available evidence is currently insufficient to determine the role of this variant in disease. Therefore, it has been classified as a Variant of Uncertain Significance.